The following is an entry in ClinVar:

NM_001394062.1(MACF1):c.7912A>C (p.Ile2638Leu)

Gene: MACF1 (microtubule actin crosslinking factor 1; plus strand). Cytogenetic location: 1p34.3.
Variant type: single nucleotide variant.
Coding change: c.7912A>C on transcript NM_001394062.1 (MANE Select); coding-DNA position 7912, A replaced by C.
Protein change: p.Ile2638Leu; replaces isoleucine 2638 with leucine.
Molecular consequence: missense variant. On other transcripts: intron variant (1).
Genome position (GRCh38, 1-based): chr1:39,334,500, A>C. VCF-style: chr1-39334500-A-C. GRCh37 (hg19) VCF-style: chr1-39800172-A-C.
Other names: c.4629+7147A>C (NM_012090.5); short protein forms I2638L.
Identifiers: ClinVar variation 3778597 (VCV003778597.7).
Genomic context (GRCh38, chr1:39,334,500, plus strand): 5'-ATTGTAGATCCCGAGAACTGCAGAATTGTCCCCTACTCAGAATTAGTCAAGAAATGTAAG[A>C]TTGATATTGAATCTGGACAGAGATATCTAGAAGTAATTCCCTTCTCAGACATTAAAGATG-3'
Protein context (NP_001380991.1, residues 2628-2648): PYSELVKKCK[Ile2638Leu]DIESGQRYLE

ClinVar aggregate classification (germline): Likely benign (1 of 4 stars; one submission).

Submission:

CeGaT Center for Human Genetics Tuebingen
Classification: Likely benign. Last evaluated: 2025-03-01. Review status: criteria provided, single submitter. Criteria: CeGaT Center For Human Genetics Tuebingen Variant Classification Criteria Version 2. Collection method: clinical testing. Allele origin: germline. Affected: yes. Observed: 1 variant allele.
Comment: MACF1: BP4